The following is an entry in ClinVar:

ClinVar aggregate classification (germline): Uncertain significance. Review status: criteria provided, multiple submitters, no conflicts (2 of 4 stars). 2 submissions from 2 submitters: Uncertain significance (2). Last evaluated 2021-09-30.

Conditions:
Hypertrophic cardiomyopathy. Also called: HYPERTROPHIC MYOCARDIOPATHY. Identifiers: Orphanet 217569, MedGen C0007194, MeSH D002312, MONDO:0005045, HP:0001639.

Allele frequency attached by ClinVar (database versions not stated): gnomAD exomes below 0.00001; TOPMed 0.00001.
gnomAD v4.1: 1 of 1,613,654 alleles (0.000062%); highest among the groups gnomAD compares: African/African-American, 0.0013%; no homozygotes.

Submissions (2):

Ambry Genetics
Classification: Uncertain significance. Last evaluated: 2021-09-30. Review status: criteria provided, single submitter. Criteria: Ambry Variant Classification Scheme 2023. Collection method: clinical testing. Allele origin: germline.
Comment: The p.G639V variant (also known as c.1916G>T), located in coding exon 13 of the MYOM1 gene, results from a G to T substitution at nucleotide position 1916. The glycine at codon 639 is replaced by valine, an amino acid with dissimilar properties. This amino acid position is conserved. In addition, this alteration is predicted to be deleterious by in silico analysis. Since supporting evidence is limited at this time, the clinical significance of this alteration remains unclear.

Labcorp Genetics (formerly Invitae), Labcorp
Classification: Uncertain significance for Hypertrophic cardiomyopathy. Last evaluated: 2021-03-07. Review status: criteria provided, single submitter. Criteria: Invitae Variant Classification Sherloc (09022015). Collection method: clinical testing. Allele origin: germline.
Comment: In summary, the available evidence is currently insufficient to determine the role of this variant in disease. Therefore, it has been classified as a Variant of Uncertain Significance. Algorithms developed to predict the effect of missense changes on protein structure and function are either unavailable or do not agree on the potential impact of this missense change (SIFT: "Tolerated"; PolyPhen-2: "Probably Damaging"; Align-GVGD: "Class C0"). This variant has not been reported in the literature in individuals with MYOM1-related conditions. This variant is not present in population databases (ExAC no frequency). This sequence change replaces glycine with valine at codon 639 of the MYOM1 protein (p.Gly639Val). The glycine residue is moderately conserved and there is a moderate physicochemical difference between glycine and valine.

NM_003803.4(MYOM1):c.1916G>T (p.Gly639Val)

Gene: MYOM1 (myomesin 1; minus strand). Cytogenetic location: 18p11.31.
Variant type: single nucleotide variant.
Coding change: c.1916G>T on transcript NM_003803.4 (MANE Select); coding-DNA position 1916, G replaced by T.
Protein change: p.Gly639Val; replaces glycine 639 with valine.
Molecular consequence: missense variant.
Genome position (GRCh38, 1-based): chr18:3,142,048, C>A on the plus strand (G>T on the coding strand, the complement: MYOM1 is on the minus strand). VCF-style: chr18-3142048-C-A. GRCh37 (hg19) VCF-style: chr18-3142046-C-A.
Other names: c.1916G>T, p.Gly639Val (NM_019856.2); short protein forms G639V.
Identifiers: ClinVar variation 1446606 (VCV001446606.10), dbSNP rs1386718417, ClinGen allele CA401713801.